The following is an entry in ClinVar:

NM_144701.3(IL23R):c.70+6G>A

Gene: IL23R (interleukin 23 receptor; plus strand). Cytogenetic location: 1p31.3.
Variant type: single nucleotide variant.
Coding change: c.70+6G>A on transcript NM_144701.3 (MANE Select); 6 bases into the intron after coding-DNA position 70, G replaced by A.
Molecular consequence: intron variant.
Genome position (GRCh38, 1-based): chr1:67,168,196, G>A. VCF-style: chr1-67168196-G-A. GRCh37 (hg19) VCF-style: chr1-67633879-G-A.
Identifiers: ClinVar variation 1441724 (VCV001441724.6), dbSNP rs763952944, ClinGen allele CA899628.

ClinVar aggregate classification (germline): Uncertain significance (1 of 4 stars; one submission).

Allele frequency attached by ClinVar (database versions not stated): ExAC 0.00001; gnomAD 0.00001; TOPMed 0.00002; gnomAD exomes below 0.00001.
gnomAD v4.1: 9 of 1,584,054 alleles (0.00057%); highest among the groups gnomAD compares: Non-Finnish European, 0.00069%; no homozygotes.

Submission:

Labcorp Genetics (formerly Invitae), Labcorp
Classification: Uncertain significance. Last evaluated: 2023-07-19. Review status: criteria provided, single submitter. Criteria: Invitae Variant Classification Sherloc (09022015). Collection method: clinical testing. Allele origin: germline.
Comment: This sequence change falls in intron 2 of the IL23R gene. It does not directly change the encoded amino acid sequence of the IL23R protein. It affects a nucleotide within the consensus splice site. This variant is present in population databases (rs763952944, gnomAD 0.0009%). This variant has not been reported in the literature in individuals affected with IL23R-related conditions. ClinVar contains an entry for this variant (Variation ID: 1441724). Variants that disrupt the consensus splice site are a relatively common cause of aberrant splicing (PMID: 17576681, 9536098). Algorithms developed to predict the effect of sequence changes on RNA splicing suggest that this variant is not likely to affect RNA splicing. In summary, the available evidence is currently insufficient to determine the role of this variant in disease. Therefore, it has been classified as a Variant of Uncertain Significance.

Literature cited by the submitters: PubMed 17576681; PubMed 9536098.